The following is an entry in ClinVar:

NM_001374353.1(GLI2):c.4612T>C (p.Ser1538Pro)

Gene: GLI2 (GLI family zinc finger 2; plus strand). Cytogenetic location: 2q14.2.
Variant type: single nucleotide variant.
Coding change: c.4612T>C on transcript NM_001374353.1 (MANE Select); coding-DNA position 4612, T replaced by C.
Protein change: p.Ser1538Pro; replaces serine 1538 with proline.
Molecular consequence: missense variant.
Genome position (GRCh38, 1-based): chr2:120,990,577, T>C. VCF-style: chr2-120990577-T-C. GRCh37 (hg19) VCF-style: chr2-121748153-T-C.
Other names: c.4663T>C, p.Ser1555Pro (NM_001371271.1, NM_005270.5); c.4237T>C, p.Ser1413Pro (NM_001374354.1); short protein forms S1555P, S1413P, S1538P.
Identifiers: ClinVar variation 37081 (VCV000037081.45), dbSNP rs144372453, ClinGen allele CA201043.

ClinVar aggregate classification (germline): Benign/Likely benign. Review status: criteria provided, multiple submitters, no conflicts (2 of 4 stars). 10 submissions from 10 submitters: Benign (3); Likely benign (4). 3 of the submissions do not count toward it. Last evaluated 2026-01-15.

Conditions:
Postaxial polydactyly-anterior pituitary anomalies-facial dysmorphism syndrome. Also called: Culler-Jones syndrome. Identifiers: Orphanet 420584, MedGen C4014479, MONDO:0014369, OMIM 615849.
Holoprosencephaly 9 (HPE9). Also called: PITUITARY ANOMALIES WITH HOLOPROSENCEPHALY-LIKE FEATURES; HOLOPROSENCEPHALY WITH MICROPHTHALMIA AND FIRST BRANCHIAL ARCH ANOMALIES. Identifiers: Orphanet 2162, MedGen C1835819, MONDO:0012563, OMIM 610829.

Allele frequency attached by ClinVar (database versions not stated): gnomAD exomes 0.00030 and 0.00078; ExAC 0.00108; 1000 Genomes Project 0.00220; 1000 Genomes Project 30x 0.00250; ESP Exome Variant Server 0.00292; gnomAD 0.00320 and 0.00352; TOPMed 0.00344.
gnomAD v4.1: 935 of 1,613,732 alleles (0.058%); highest among the groups gnomAD compares: African/African-American, 1.2%; 7 homozygotes.

Submissions (10):

Labcorp Genetics (formerly Invitae), Labcorp
Classification: Benign for Postaxial polydactyly-anterior pituitary anomalies-facial dysmorphism syndrome; Holoprosencephaly 9. Last evaluated: 2026-01-15. Review status: criteria provided, single submitter. Criteria: Invitae Variant Classification Sherloc (09022015). Collection method: clinical testing. Allele origin: germline.

CeGaT Center for Human Genetics Tuebingen
Classification: Benign. Last evaluated: 2024-06-01. Review status: criteria provided, single submitter. Criteria: CeGaT Center For Human Genetics Tuebingen Variant Classification Criteria Version 2. Collection method: clinical testing. Allele origin: germline. Affected: yes. Observed: 1 variant allele.
Comment: GLI2: BP4, BS1, BS2

Fulgent Genetics
Classification: Likely benign for Holoprosencephaly 9; Postaxial polydactyly-anterior pituitary anomalies-facial dysmorphism syndrome. Last evaluated: 2021-12-21. Review status: criteria provided, single submitter. Criteria: ACMG Guidelines, 2015. Collection method: clinical testing. Allele origin: unknown.

Institute for Genomic Medicine (IGM) Clinical Laboratory, Nationwide Children's Hospital
Classification: Likely benign. Last evaluated: 2017-05-15. Review status: criteria provided, single submitter. Criteria: ACMG Guidelines, 2015. Collection method: clinical testing. Allele origin: germline.
Comment: BS1, BP6; This alteration has an allele frequency that is greater than expected for the associated disease, and was reported as a benign/likely benign alteration by a reputable source (ClinVar or other correspondence from a clinical testing laboratory).

Illumina Laboratory Services, Illumina
Classification: Likely benign for Holoprosencephaly 9. Last evaluated: 2017-04-27. Review status: criteria provided, single submitter. Criteria: ICSL Variant Classification Criteria 13 December 2019. Collection method: clinical testing. Allele origin: germline.
Comment: This variant was observed as part of a predisposition screen in an ostensibly healthy population. A literature search was performed for the gene, cDNA change, and amino acid change (where applicable). Publications were found based on this search. The evidence from the literature, in combination with allele frequency data from public databases where available, was sufficient to determine this variant is unlikely to cause disease. Therefore, this variant is classified as likely benign.

Eurofins Ntd Llc (ga)
Classification: Benign. Last evaluated: 2015-02-16. Review status: criteria provided, single submitter. Criteria: EGL Classification Definitions 2015. Collection method: clinical testing. Allele origin: germline. Observed: 1 variant allele, 1 heterozygote.

PreventionGenetics, part of Exact Sciences
Classification: Likely benign. Review status: criteria provided, single submitter. Criteria: ACMG Guidelines, 2015. Collection method: clinical testing. Allele origin: germline.

OMIM
Classification: Pathogenic for HOLOPROSENCEPHALY 9. Last evaluated: 2012-01-01. Review status: no assertion criteria provided. Collection method: literature only. Allele origin: germline. Not counted in ClinVar's aggregate classification.

Clinical Genetics, Academic Medical Center
Classification: Likely benign. Review status: no assertion criteria provided. Collection method: clinical testing. Allele origin: germline. Affected: yes. Study: VKGL Data-share Consensus. Not counted in ClinVar's aggregate classification.

Diagnostic Laboratory, Department of Genetics, University Medical Center Groningen
Classification: Likely benign. Review status: no assertion criteria provided. Collection method: clinical testing. Allele origin: germline. Affected: yes. Study: VKGL Data-share Consensus. Not counted in ClinVar's aggregate classification.

Literature cited by the submitters: PubMed 21204792 (cited by Illumina Laboratory Services, Illumina and OMIM).